The following is an entry in ClinVar:

ClinVar aggregate classification (germline): Pathogenic/Likely pathogenic. Review status: criteria provided, multiple submitters, no conflicts (2 of 4 stars). 2 submissions from 2 submitters: Pathogenic (1); Likely pathogenic (1). Last evaluated 2024-09-30.

Conditions:
Usher syndrome type 1 (USH1). Also called: RETINITIS PIGMENTOSA AND CONGENITAL DEAFNESS. Identifiers: Orphanet 231169, Orphanet 886, MedGen C1568247, MONDO:0010168, OMIM 276900.
Pituitary adenoma 5, multiple types. Identifiers: MedGen C4539685, MONDO:0054601, OMIM 617540.

Submissions (2):

Natera, Inc.
Classification: Likely pathogenic for Usher syndrome type 1. Last evaluated: 2024-09-30. Review status: criteria provided, single submitter. Criteria: Natera Variant Classification Schema (03/2026). Collection method: clinical testing. Allele origin: germline.
Comment: The c.7908C>A variant in CDH23 is a nonsense variant predicted to introduce a stop codon at amino acid 2636. This variant is expected to result in nonsense mediated decay, truncation, or a dysfunctional protein product. This variant is rare in the general population with a frequency below the threshold expected for the associated phenotype(s). Given the available evidence, this variant is classified as Likely Pathogenic.

Baylor Genetics
Classification: Pathogenic for Pituitary adenoma 5, multiple types. Last evaluated: 2023-02-19. Review status: criteria provided, single submitter. Criteria: ACMG Guidelines, 2015. Collection method: clinical testing. Allele origin: unknown.

NM_022124.6(CDH23):c.7908C>A (p.Tyr2636Ter)

Genes: CDH23 (cadherin related 23; plus strand), LOC111982869 (Sharpr-MPRA regulatory region 2121; plus strand). Cytogenetic location: 10q22.1.
Variant type: single nucleotide variant.
Coding change: c.7908C>A on transcript NM_022124.6 (MANE Select); coding-DNA position 7908, C replaced by A.
Protein change: p.Tyr2636Ter; replaces tyrosine 2636 with a stop codon.
Molecular consequence: nonsense.
Genome position (GRCh38, 1-based): chr10:71,805,841, C>A. VCF-style: chr10-71805841-C-A. GRCh37 (hg19) VCF-style: chr10-73565598-C-A.
Other names: c.1188C>A, p.Tyr396Ter (NM_001171933.1, NM_001171934.1); c.7908C>A (NM_022124.5); short protein forms Y2636*, Y396*.
Identifiers: ClinVar variation 2680504 (VCV002680504.2), dbSNP rs878853337, ClinGen allele CA377161934.